The following is an entry in ClinVar:

ClinVar aggregate classification (germline): Benign (1 of 4 stars; one submission).

Allele frequency attached by ClinVar (database versions not stated): 1000 Genomes Project 0.31629; gnomAD 0.31934 and 0.33053; 1000 Genomes Project 30x 0.32495; TOPMed 0.32691.
gnomAD v4.1: 48,310 of 152,186 alleles (32%); highest among the groups gnomAD compares: African/African-American, 65%; 11,014 homozygotes.

Submission:

GeneDx
Classification: Benign. Last evaluated: 2018-06-14. Review status: criteria provided, single submitter. Criteria: GeneDx Variant Classification (06012015). Collection method: clinical testing. Allele origin: germline. Affected: yes.
Comment: This variant is considered likely benign or benign based on one or more of the following criteria: it is a conservative change, it occurs at a poorly conserved position in the protein, it is predicted to be benign by multiple in silico algorithms, and/or has population frequency not consistent with disease.

NM_139343.3(BIN1):c.1131+268C>T

Gene: BIN1 (bridging integrator 1; minus strand). Cytogenetic location: 2q14.3.
Variant type: single nucleotide variant.
Coding change: c.1131+268C>T on transcript NM_139343.3 (MANE Select); 268 bases into the intron after coding-DNA position 1131, C replaced by T.
Molecular consequence: intron variant.
Genome position (GRCh38, 1-based): chr2:127,057,205, G>A on the plus strand (C>T on the coding strand, the complement: BIN1 is on the minus strand). VCF-style: chr2-127057205-G-A. GRCh37 (hg19) VCF-style: chr2-127814781-G-A.
Other names: c.1050+268C>T (NM_001320642.1); c.837+1806C>T (NM_001320634.1); c.909+1806C>T (NM_139351.3, NM_139350.3, NM_139349.3); c.1038+268C>T (NM_139348.3, NM_139347.3, NM_001320641.2); c.954+1806C>T (NM_001320632.2, NM_004305.4); c.1083+268C>T (NM_139346.3); c.1002+1806C>T (NM_001320633.2, NM_139345.3, NM_139344.3); c.1131+268C>T (NM_001320640.2).
Identifiers: ClinVar variation 668025 (VCV000668025.1), dbSNP rs3754618, ClinGen allele CA11125918.
Genomic context (GRCh38, chr2:127,057,205, plus strand): 5'-TGACAGCCACACGTCCTCCACACTCCCCGATCCCCTCTGCCATAGCACCCACTGCGTCGC[G>A]AGGGCGCTGCTGATGTAACTGCTGCGCCGGGAGAGGCGGCACCTTCCCCTCTGTGGCCCT-3'